The following is an entry in ClinVar:

NM_014629.4(ARHGEF10):c.3994C>G (p.Pro1332Ala)

Gene: ARHGEF10 (Rho guanine nucleotide exchange factor 10; plus strand). Cytogenetic location: 8p23.3.
Variant type: single nucleotide variant.
Coding change: c.3994C>G on transcript NM_014629.4 (MANE Select); coding-DNA position 3994, C replaced by G.
Protein change: p.Pro1332Ala; replaces proline 1332 with alanine.
Molecular consequence: missense variant.
Genome position (GRCh38, 1-based): chr8:1,957,222, C>G. VCF-style: chr8-1957222-C-G. GRCh37 (hg19) VCF-style: chr8-1905388-C-G.
Other names: c.3880C>G, p.Pro1294Ala (NM_001308152.2); c.3994C>G, p.Pro1332Ala (NM_001308153.3); short protein forms P1332A, P1356A, P1294A.
Identifiers: ClinVar variation 2528955 (VCV002528955.5), dbSNP rs767677056, ClinGen allele CA4601552.

ClinVar aggregate classification (germline): Uncertain significance. Review status: criteria provided, multiple submitters, no conflicts (2 of 4 stars). 2 submissions from 2 submitters: Uncertain significance (2). Last evaluated 2023-11-07.

Allele frequency attached by ClinVar (database versions not stated): gnomAD 0.00001; TOPMed 0.00002; ExAC 0.00003.
gnomAD v4.1: 9 of 1,611,746 alleles (0.00056%); highest among the groups gnomAD compares: African/African-American, 0.004%; no homozygotes.

Submissions (2):

Labcorp Genetics (formerly Invitae), Labcorp
Classification: Uncertain significance. Last evaluated: 2023-11-07. Review status: criteria provided, single submitter. Criteria: Invitae Variant Classification Sherloc (09022015). Collection method: clinical testing. Allele origin: germline.
Comment: This sequence change replaces proline, which is neutral and non-polar, with alanine, which is neutral and non-polar, at codon 1332 of the ARHGEF10 protein (p.Pro1332Ala). This variant is present in population databases (rs767677056, gnomAD 0.01%). This variant has not been reported in the literature in individuals affected with ARHGEF10-related conditions. ClinVar contains an entry for this variant (Variation ID: 2528955). Advanced modeling of protein sequence and biophysical properties (such as structural, functional, and spatial information, amino acid conservation, physicochemical variation, residue mobility, and thermodynamic stability) performed at Invitae indicates that this missense variant is not expected to disrupt ARHGEF10 protein function with a negative predictive value of 80%. In summary, the available evidence is currently insufficient to determine the role of this variant in disease. Therefore, it has been classified as a Variant of Uncertain Significance.

Ambry Genetics
Classification: Uncertain significance. Last evaluated: 2023-03-24. Review status: criteria provided, single submitter. Criteria: Ambry Variant Classification Scheme 2023. Collection method: clinical testing. Allele origin: germline.